The following is an entry in ClinVar:

ClinVar aggregate classification (germline): Uncertain significance (1 of 4 stars; one submission).

Submission:

Mayo Clinic Laboratories, Mayo Clinic
Classification: Uncertain significance. Last evaluated: 2024-10-15. Review status: criteria provided, single submitter. Criteria: ACMG Guidelines, 2015. Collection method: clinical testing. Allele origin: germline. Observed: 1 variant allele.
Comment: PM2_supporting, PM4

NM_138477.4(CDAN1):c.3484_3507del (p.Val1162_Arg1169del)

Gene: CDAN1 (codanin 1; minus strand). Cytogenetic location: 15q15.2.
Variant type: Deletion.
Coding change: c.3484_3507del on transcript NM_138477.4 (MANE Select); coding-DNA positions 3484 to 3507, 24 bases deleted (GTGGAGAAGGGTCTGATGGGACGG).
Protein change: p.Val1162_Arg1169del.
Molecular consequence: inframe deletion.
Genome position (GRCh38, 1-based): chr15:42,725,195-42,725,218, CCGTCCCATCAGACCCTTCTCCAC deleted on the plus strand (GTGGAGAAGGGTCTGATGGGACGG on the coding strand, the reverse complement: CDAN1 is on the minus strand); deleting any 24 consecutive bases within chr15:42,725,195-42,725,219 gives the same sequence; the c. name uses the placement nearest the transcript's 3' end. VCF-style (leftmost placement, unchanged base first): chr15-42725194-TCCGTCCCATCAGACCCTTCTCCAC-T. GRCh37 (hg19) VCF-style: chr15-43017392-TCCGTCCCATCAGACCCTTCTCCAC-T.
Other names: p.Val1162_Arg1169del.
Identifiers: ClinVar variation 4541923 (VCV004541923.1).
Genomic context (GRCh38, chr15:42,725,194, plus strand): 5'-GACTCCTTACCCCTGGCCACTGGGCCTGGTGGAGGCTGCCCAGGCAGGCCTCTATCTCCA[TCCGTCCCATCAGACCCTTCTCCAC>T]CAGCTCCCGTAGCAAGAATAGCAGCAAGTCCCACTGCAAAACACACCGAGGTCAGGGTTG-3'